The following is an entry in ClinVar:

ClinVar aggregate classification (germline): Uncertain significance (1 of 4 stars; one submission).

Conditions:
Baller-Gerold syndrome (BGS). Also called: CRANIOSYNOSTOSIS WITH RADIAL DEFECTS. Identifiers: Orphanet 1225, MedGen C0265308, MONDO:0009039, OMIM 218600.

Allele frequency attached by ClinVar (database versions not stated): TOPMed below 0.00001; ExAC 0.00001; gnomAD exomes 0.00001.

Submission:

Labcorp Genetics (formerly Invitae), Labcorp
Classification: Uncertain significance for Baller-Gerold syndrome. Last evaluated: 2024-05-22. Review status: criteria provided, single submitter. Criteria: Invitae Variant Classification Sherloc (09022015). Collection method: clinical testing. Allele origin: germline.
Comment: This sequence change replaces proline, which is neutral and non-polar, with serine, which is neutral and polar, at codon 338 of the RECQL4 protein (p.Pro338Ser). This variant is present in population databases (rs754299237, gnomAD 0.02%). This variant has not been reported in the literature in individuals affected with RECQL4-related conditions. ClinVar contains an entry for this variant (Variation ID: 644143). Advanced modeling of protein sequence and biophysical properties (such as structural, functional, and spatial information, amino acid conservation, physicochemical variation, residue mobility, and thermodynamic stability) performed at Invitae indicates that this missense variant is not expected to disrupt RECQL4 protein function with a negative predictive value of 80%. In summary, the available evidence is currently insufficient to determine the role of this variant in disease. Therefore, it has been classified as a Variant of Uncertain Significance.

NM_004260.4(RECQL4):c.1012C>T (p.Pro338Ser)

Gene: RECQL4 (RecQ like helicase 4; minus strand). Cytogenetic location: 8q24.3.
Variant type: single nucleotide variant.
Coding change: c.1012C>T on transcript NM_004260.4 (MANE Select); coding-DNA position 1012, C replaced by T.
Protein change: p.Pro338Ser; replaces proline 338 with serine.
Molecular consequence: missense variant.
Genome position (GRCh38, 1-based): chr8:144,516,107, G>A on the plus strand (C>T on the coding strand, the complement: RECQL4 is on the minus strand). VCF-style: chr8-144516107-G-A. GRCh37 (hg19) VCF-style: chr8-145741491-G-A.
Other names: short protein forms P338S.
Identifiers: ClinVar variation 644143 (VCV000644143.5), dbSNP rs754299237, ClinGen allele CA4949114.